The following is an entry in ClinVar:

NM_000535.7(PMS2):c.1222A>G (p.Thr408Ala)

Gene: PMS2 (PMS1 homolog 2, mismatch repair system component; minus strand). Cytogenetic location: 7p22.1.
Variant type: single nucleotide variant.
Coding change: c.1222A>G on transcript NM_000535.7 (MANE Select); coding-DNA position 1222, A replaced by G.
Protein change: p.Thr408Ala; replaces threonine 408 with alanine.
Molecular consequence: missense variant. On other transcripts: non-coding transcript variant (1).
Genome position (GRCh38, 1-based): chr7:5,987,543, T>C on the plus strand (A>G on the coding strand, the complement: PMS2 is on the minus strand). VCF-style: chr7-5987543-T-C. GRCh37 (hg19) VCF-style: chr7-6027174-T-C.
Other names: c.817A>G, p.Thr273Ala (NM_001322003.2, NM_001322004.2, NM_001322005.2 and 1 more transcripts); c.1066A>G, p.Thr356Ala (NM_001322006.2); c.904A>G, p.Thr302Ala (NM_001322007.2, NM_001322008.2); c.661A>G, p.Thr221Ala (NM_001322010.2); c.289A>G, p.Thr97Ala (NM_001322011.2, NM_001322012.2); c.649A>G, p.Thr217Ala (NM_001322013.2); c.1222A>G, p.Thr408Ala (NM_001322014.2); c.913A>G, p.Thr305Ala (NM_001322015.2); short protein forms T408A, T97A, T217A, T273A, T305A, T356A, T221A, T302A.
Identifiers: ClinVar variation 952797 (VCV000952797.9), dbSNP rs1783169137, ClinGen allele CA366742537.
Genomic context (GRCh38, chr7:5,987,543, plus strand): 5'-GACGAAGAGAAAAGGCCTCTCGCAGTCTGGAAATGGACACGTCTTTTTTTTCTTCTCCAG[T>C]CCTTAATGAAGGGGATTGATCCTGCTTTTCTACCATGGGCTTTTCCAAATCCGCTGCATG-3'
Protein context (NP_000526.2, residues 398-418): EKQDQSPSLR[Thr408Ala]GEEKKDVSIS

ClinVar aggregate classification (germline): Uncertain significance (1 of 4 stars; one submission).

Conditions:
Hereditary nonpolyposis colorectal neoplasms. Identifiers: MedGen C0009405, MeSH D003123.

Submission:

Labcorp Genetics (formerly Invitae), Labcorp
Classification: Uncertain significance for Hereditary nonpolyposis colorectal neoplasms. Last evaluated: 2019-05-20. Review status: criteria provided, single submitter. Criteria: Invitae Variant Classification Sherloc (09022015). Collection method: clinical testing. Allele origin: germline.
Comment: This variant is not present in population databases (ExAC no frequency). This sequence change replaces threonine with alanine at codon 408 of the PMS2 protein (p.Thr408Ala). The threonine residue is weakly conserved and there is a small physicochemical difference between threonine and alanine. This variant has not been reported in the literature in individuals with PMS2-related conditions. Algorithms developed to predict the effect of missense changes on protein structure and function output the following: SIFT: "Tolerated"; PolyPhen-2: "Benign"; Align-GVGD: "Class C0". The alanine amino acid residue is found in multiple mammalian species, suggesting that this missense change does not adversely affect protein function. These predictions have not been confirmed by published functional studies and their clinical significance is uncertain. In summary, the available evidence is currently insufficient to determine the role of this variant in disease. Therefore, it has been classified as a Variant of Uncertain Significance.